The following is an entry in ClinVar:

ClinVar aggregate classification (germline): Uncertain significance (1 of 4 stars; one submission).

Conditions:
Hyperekplexia 2 (HKPX2). Identifiers: Orphanet 3197, MedGen C3553291, MONDO:0013828, OMIM 614619.

Allele frequency attached by ClinVar (database versions not stated): gnomAD exomes below 0.00001; TOPMed below 0.00001.
gnomAD v4.1: 1 of 1,609,476 alleles (0.000062%); highest among the groups gnomAD compares: Non-Finnish European, 0.000085%; no homozygotes.

Submission:

Labcorp Genetics (formerly Invitae), Labcorp
Classification: Uncertain significance for Hyperekplexia 2. Last evaluated: 2025-07-07. Review status: criteria provided, single submitter. Criteria: Invitae Variant Classification Sherloc (09022015). Collection method: clinical testing. Allele origin: germline.
Comment: This sequence change replaces glutamine, which is neutral and polar, with lysine, which is basic and polar, at codon 109 of the GLRB protein (p.Gln109Lys). This variant is not present in population databases (gnomAD no frequency). This variant has not been reported in the literature in individuals affected with GLRB-related conditions. ClinVar contains an entry for this variant (Variation ID: 1441237). Invitae Evidence Modeling of protein sequence and biophysical properties (such as structural, functional, and spatial information, amino acid conservation, physicochemical variation, residue mobility, and thermodynamic stability) indicates that this missense variant is expected to disrupt GLRB protein function with a positive predictive value of 80%. In summary, the available evidence is currently insufficient to determine the role of this variant in disease. Therefore, it has been classified as a Variant of Uncertain Significance.

NM_000824.5(GLRB):c.325C>A (p.Gln109Lys)

Gene: GLRB (glycine receptor beta; plus strand). Cytogenetic location: 4q32.1.
Variant type: single nucleotide variant.
Coding change: c.325C>A on transcript NM_000824.5 (MANE Select); coding-DNA position 325, C replaced by A.
Protein change: p.Gln109Lys; replaces glutamine 109 with lysine.
Molecular consequence: missense variant.
Genome position (GRCh38, 1-based): chr4:157,136,496, C>A. VCF-style: chr4-157136496-C-A. GRCh37 (hg19) VCF-style: chr4-158057648-C-A.
Other names: c.325C>A, p.Gln109Lys (NM_001166060.2, NM_001166061.2); short protein forms Q109K.
Identifiers: ClinVar variation 1441237 (VCV001441237.8), dbSNP rs1736404014, ClinGen allele CA358642330.